The following is an entry in ClinVar:

ClinVar aggregate classification (germline): Uncertain significance (1 of 4 stars; one submission).

Conditions:
Amelocerebrohypohidrotic syndrome (KTZS). Also called: Kohlschutter's syndrome; EPILEPSY AND YELLOW TEETH; EPILEPSY, DEMENTIA, AND AMELOGENESIS IMPERFECTA; KOHLSCHUTTER SYNDROME. Identifiers: Orphanet 1946, MedGen C0406740, MONDO:0009185, OMIM 226750.

Submission:

Labcorp Genetics (formerly Invitae), Labcorp
Classification: Uncertain significance for Amelocerebrohypohidrotic syndrome. Last evaluated: 2022-11-08. Review status: criteria provided, single submitter. Criteria: Invitae Variant Classification Sherloc (09022015). Collection method: clinical testing. Allele origin: germline.
Comment: This sequence change replaces histidine, which is basic and polar, with proline, which is neutral and non-polar, at codon 28 of the ROGDI protein (p.His28Pro). In summary, the available evidence is currently insufficient to determine the role of this variant in disease. Therefore, it has been classified as a Variant of Uncertain Significance. Algorithms developed to predict the effect of missense changes on protein structure and function are either unavailable or do not agree on the potential impact of this missense change (SIFT: "Deleterious"; PolyPhen-2: "Probably Damaging"; Align-GVGD: "Class C0"). ClinVar contains an entry for this variant (Variation ID: 1478646). This variant has not been reported in the literature in individuals affected with ROGDI-related conditions. This variant is not present in population databases (gnomAD no frequency).

NM_024589.3(ROGDI):c.83A>C (p.His28Pro)

Gene: ROGDI (rogdi atypical leucine zipper; minus strand). Cytogenetic location: 16p13.3.
Variant type: single nucleotide variant.
Coding change: c.83A>C on transcript NM_024589.3 (MANE Select); coding-DNA position 83, A replaced by C.
Protein change: p.His28Pro; replaces histidine 28 with proline.
Molecular consequence: missense variant. On other transcripts: non-coding transcript variant (1).
Genome position (GRCh38, 1-based): chr16:4,802,416, T>G on the plus strand (A>C on the coding strand, the complement: ROGDI is on the minus strand). VCF-style: chr16-4802416-T-G. GRCh37 (hg19) VCF-style: chr16-4852417-T-G.
Other names: short protein forms H28P.
Identifiers: ClinVar variation 1478646 (VCV001478646.6), dbSNP rs2141915506, ClinGen allele CA394656593.